The following is an entry in ClinVar:

ClinVar aggregate classification (germline): Uncertain significance (1 of 4 stars; one submission).

Submission:

Dasa
Classification: Uncertain significance. Last evaluated: 2026-04-18. Review status: criteria provided, single submitter. Criteria: DASA Assertion Criteria. Collection method: clinical testing. Allele origin: germline.
Comment: NM_001127222.2(CACNA1A):c.6756C>T (p.Gly2252=) is a synonymous variant predicted not to alter the encoded amino acid sequence. This variant is rare in population databases. The currently available literature and clinical evidence are not sufficient to establish a definitive association between this variant and the reported condition. Therefore, this variant is classified as a variant of uncertain significance.

NM_001127222.2(CACNA1A):c.6756C>T (p.Gly2252=)

Genes: CACNA1A (calcium voltage-gated channel subunit alpha1 A; minus strand), LOC130063717 (ATAC-STARR-seq lymphoblastoid silent region 10203; plus strand). Cytogenetic location: 19p13.13.
Variant type: single nucleotide variant.
Coding change: c.6756C>T on transcript NM_001127222.2 (MANE Select); coding-DNA position 6756, C replaced by T.
Protein change: p.Gly2252=; no amino-acid change (glycine 2252 retained).
Molecular consequence: synonymous variant.
Genome position (GRCh38, 1-based): chr19:13,208,780, G>A on the plus strand (C>T on the coding strand, the complement: CACNA1A is on the minus strand). VCF-style: chr19-13208780-G-A. GRCh37 (hg19) VCF-style: chr19-13319594-G-A.
Other names: c.6774C>T, p.Gly2258= (NM_000068.4, NM_023035.3); c.6759C>T, p.Gly2253= (NM_001127221.2); c.6765C>T, p.Gly2255= (NM_001174080.2).
Identifiers: ClinVar variation 4883633 (VCV004883633.2).